The following is an entry in ClinVar:

NM_003482.4(KMT2D):c.8154C>A (p.Gly2718=)

Gene: KMT2D (lysine methyltransferase 2D; minus strand). Cytogenetic location: 12q13.12.
Variant type: single nucleotide variant.
Coding change: c.8154C>A on transcript NM_003482.4 (MANE Select); coding-DNA position 8154, C replaced by A.
Protein change: p.Gly2718=; no amino-acid change (glycine 2718 retained).
Molecular consequence: synonymous variant.
Genome position (GRCh38, 1-based): chr12:49,039,510, G>T on the plus strand (C>A on the coding strand, the complement: KMT2D is on the minus strand). VCF-style: chr12-49039510-G-T. GRCh37 (hg19) VCF-style: chr12-49433293-G-T.
Identifiers: ClinVar variation 2419373 (VCV002419373.8), dbSNP rs376135377, ClinGen allele CA6546906.
Genomic context (GRCh38, chr12:49,039,510, plus strand): 5'-GGGGGTCTGGCCTCGACTCAGCTGCTCAAAGGCAGGGCTGCTGGGCTCAGCACCCCAGCT[G>T]CCTGGAGGCCCCACTGCTCCTGCAGCTGCTGCAGCTGTTTCCTTCTCCTGCCGCAGGGTG-3'
Protein context (NP_003473.3, residues 2708-2728): AAAAGAVGPP[Gly2718=]SWGAEPSSPA

ClinVar aggregate classification (germline): Likely benign. Review status: criteria provided, single submitter (1 of 4 stars). 2 submissions from 2 submitters: Likely benign (1). 1 of the submissions does not count toward it. Last evaluated 2025-11-06.

Conditions:
KMT2D-related disorder. Also called: KMT2D-Related Disorders.
Kabuki syndrome. Also called: Kabuki make-up syndrome; NIIKAWA-KUROKI SYNDROME. Identifiers: Orphanet 2322, MedGen C0796004, MONDO:0016512.

Allele frequency attached by ClinVar (database versions not stated): ExAC 0.00003; gnomAD 0.00003; TOPMed 0.00003; ESP Exome Variant Server 0.00008.
gnomAD v4.1: 7 of 1,611,936 alleles (0.00043%); highest among the groups gnomAD compares: African/African-American, 0.0053%; no homozygotes.

Submissions (2):

Labcorp Genetics (formerly Invitae), Labcorp
Classification: Likely benign for Kabuki syndrome. Last evaluated: 2025-11-06. Review status: criteria provided, single submitter. Criteria: Invitae Variant Classification Sherloc (09022015). Collection method: clinical testing. Allele origin: germline.

PreventionGenetics, part of Exact Sciences
Classification: Likely benign for KMT2D-related condition. Last evaluated: 2023-01-26. Review status: no assertion criteria provided. Collection method: clinical testing. Allele origin: germline. Not counted in ClinVar's aggregate classification.
Comment: This variant is classified as likely benign based on ACMG/AMP sequence variant interpretation guidelines (Richards et al. 2015 PMID: 25741868, with internal and published modifications).